The following is an entry in ClinVar:

ClinVar aggregate classification (germline): Pathogenic/Likely pathogenic. Review status: criteria provided, multiple submitters, no conflicts (2 of 4 stars). 10 submissions from 9 submitters: Pathogenic (8); Likely pathogenic (2). Last evaluated 2025-09-10.

Conditions:
SPTB-related disorder. Also called: SPTB-related condition; SPTB-Related Disorders.
Chudley-McCullough syndrome (CMCS). Also called: DEAFNESS, SENSORINEURAL, WITH PARTIAL AGENESIS OF THE CORPUS CALLOSUM AND ARACHNOID CYSTS; Deafness, autosomal recessive 82. Identifiers: Orphanet 314597, MedGen C1858695, MONDO:0011411, OMIM 604213.
Hereditary spherocytosis type 2. Also called: SPHEROCYTOSIS, TYPE 2, AUTOSOMAL DOMINANT. Identifiers: Orphanet 822, MedGen C2674219, MONDO:0000913, OMIM 616649.
Rare anaemia.

Allele frequency attached by ClinVar (database versions not stated): gnomAD exomes 0.00002 and 0.00003; ExAC 0.00001; TOPMed 0.00001.
gnomAD v4.1: 46 of 1,613,740 alleles (0.0029%); highest among the groups gnomAD compares: Non-Finnish European, 0.0038%; no homozygotes.

Submissions (10):

Genomic Medicine Center of Excellence, King Faisal Specialist Hospital and Research Centre
Classification: Pathogenic for Hereditary spherocytosis type 2. Last evaluated: 2025-09-10. Review status: criteria provided, single submitter. Criteria: ACMG Guidelines, 2015. Collection method: clinical testing. Allele origin: germline.

Labcorp Genetics (formerly Invitae), Labcorp
Classification: Pathogenic. Last evaluated: 2025-08-13. Review status: criteria provided, single submitter. Criteria: Invitae Variant Classification Sherloc (09022015). Collection method: clinical testing. Allele origin: germline.
Comment: This sequence change creates a premature translational stop signal (p.Arg1431*) in the SPTB gene. It is expected to result in an absent or disrupted protein product. Loss-of-function variants in SPTB are known to be pathogenic (PMID: 1391962, 1498324, 8844207, 26830532, 27292444). This variant is present in population databases (rs757836263, gnomAD 0.006%). This premature translational stop signal has been observed in individual(s) with hereditary spherocytosis (PMID: 26830532). ClinVar contains an entry for this variant (Variation ID: 1163075). For these reasons, this variant has been classified as Pathogenic.

North West Genomic Laboratory Hub, Manchester University NHS Foundation Trust
Classification: Pathogenic for Rare anaemia. Last evaluated: 2025-01-08. Review status: criteria provided, single submitter. Criteria: ACGS Best Practice Guidelines for Variant Classification in Rare Disease 2024. Collection method: clinical testing. Allele origin: germline. Affected: yes.
Comment: PS4_Str PVS1_VStr

Genomic Medicine Center of Excellence, King Faisal Specialist Hospital and Research Centre
Classification: Pathogenic for Chudley-McCullough syndrome. Last evaluated: 2024-12-17. Review status: criteria provided, single submitter. Criteria: ACMG Guidelines, 2015. Collection method: clinical testing. Allele origin: germline.

PreventionGenetics, part of Exact Sciences
Classification: Pathogenic for SPTB-related condition. Last evaluated: 2024-11-06. Review status: criteria provided, single submitter. Criteria: ACMG Guidelines, 2015. Collection method: clinical testing. Allele origin: germline.
Comment: The SPTB c.4291C>T variant is predicted to result in premature protein termination (p.Arg1431*). This variant has been reported in individuals with autosomal dominant spherocytosis (Park et al. 2016. PubMed ID: 26830532; Table S3, Choi et al. 2019. PubMed ID: 31122244; Bai et al. 2023. PubMed ID: 37385619). This variant is reported in 0.0065% of alleles in individuals of South Asian descent in gnomAD. Nonsense variants in SPTB are expected to be pathogenic. This variant is interpreted as pathogenic.

ARUP Laboratories, Molecular Genetics and Genomics, ARUP Laboratories
Classification: Pathogenic. Last evaluated: 2024-10-16. Review status: criteria provided, single submitter. Criteria: ARUP Molecular Germline Variant Investigation Process 2024. Collection method: clinical testing. Allele origin: germline.
Comment: The SPTB c.4291C>T; p.Arg1431Ter variant (rs757836263; ClinVar Variation ID: 1163075) is reported in the literature in two individuals affected with hereditary spherocytosis (Choi 2019, Park 2016). This variant is found in the general population with an overall allele frequency of 0.0024% (6/250310 alleles, including no homozygotes) in the Genome Aggregation Database. This variant induces an early termination codon and is predicted to result in a truncated protein or mRNA subject to nonsense-mediated decay. Based on available information, this variant is considered to be pathogenic. References Choi HS et al. Molecular diagnosis of hereditary spherocytosis by multi-gene target sequencing in Korea: matching with osmotic fragility test and presence of spherocyte. Orphanet J Rare Dis. 2019 May 23. PMID: 31122244 Park J et al. Mutational characteristics of ANK1 and SPTB genes in hereditary spherocytosis. Clin Genet. 2016 Jul. PMID: 26830532

Revvity Omics, Revvity
Classification: Pathogenic. Last evaluated: 2024-08-08. Review status: criteria provided, single submitter. Criteria: ACMG Guidelines, 2015. Collection method: clinical testing. Allele origin: germline.

Blueprint Genetics
Classification: Pathogenic for SPTB-related disorders. Last evaluated: 2024-03-12. Review status: criteria provided, single submitter. Criteria: ACMG Guidelines, 2015. Collection method: clinical testing. Allele origin: germline. Affected: yes. Observed: 5 variant alleles.

Neuberg Centre For Genomic Medicine, NCGM
Classification: Likely pathogenic for Hereditary spherocytosis type 2. Last evaluated: 2023-06-02. Review status: criteria provided, single submitter. Criteria: ACMG Guidelines, 2015. Collection method: clinical testing. Allele origin: germline. Inheritance: Autosomal dominant inheritance. Affected: yes.
Comment: The observed stop gained variant c.4291C>T(p.Arg1431Ter) in SPTB gene has been reported previously in an individual with hereditary spherocytosis (Park J, et al., 2016). The (p.Arg1431Ter) variant is absent in gnomAD Exomes. This variant has been reported to the ClinVar database as Pathogenic / Likely Pathogenic. Computational evidence (Mutation Taster - Disease causing) predicts damaging effect on protein structure and function for this variant. This variant is predicted to cause loss of normal protein function through protein truncation. Loss of function variants have been previously reported to be disease causing (Agarwal AM, et al., 2016). For these reasons, this variant has been classified as Likely Pathogenic.

Mayo Clinic Laboratories, Mayo Clinic
Classification: Likely pathogenic. Last evaluated: 2020-05-07. Review status: criteria provided, single submitter. Criteria: ACMG Guidelines, 2015. Collection method: clinical testing. Allele origin: germline. Observed: 1 variant allele.
Comment: PVS1, PS4_moderate

Literature cited by the submitters: PubMed 1391962 (cited by Labcorp Genetics (formerly Invitae), Labcorp); PubMed 1498324 (cited by Labcorp Genetics (formerly Invitae), Labcorp); PubMed 8844207 (cited by Labcorp Genetics (formerly Invitae), Labcorp); PubMed 26830532 (cited by Labcorp Genetics (formerly Invitae), Labcorp and Mayo Clinic Laboratories, Mayo Clinic); PubMed 27292444 (cited by Labcorp Genetics (formerly Invitae), Labcorp).

NM_001355436.2(SPTB):c.4291C>T (p.Arg1431Ter)

Gene: SPTB (spectrin beta, erythrocytic; minus strand). Cytogenetic location: 14q23.3.
Variant type: single nucleotide variant.
Coding change: c.4291C>T on transcript NM_001355436.2 (MANE Select); coding-DNA position 4291, C replaced by T.
Protein change: p.Arg1431Ter; replaces arginine 1431 with a stop codon.
Molecular consequence: nonsense.
Genome position (GRCh38, 1-based): chr14:64,779,907, G>A on the plus strand (C>T on the coding strand, the complement: SPTB is on the minus strand). VCF-style: chr14-64779907-G-A. GRCh37 (hg19) VCF-style: chr14-65246625-G-A.
Other names: c.4291C>T (NM_001024858.3, NM_001024858.2); c.4291C>T, p.Arg1431Ter (NM_001024858.4, NM_001355437.2); short protein forms R1431*.
Identifiers: ClinVar variation 1163075 (VCV001163075.23), dbSNP rs757836263, ClinGen allele CA7230343.
Genomic context (GRCh38, chr14:64,779,907, plus strand): 5'-CTCCTCCCTCCTCTCCCATTGAAGGCACCTGGGCAAACAGCTCCCCCAGCTCCTCTTTTC[G>A]CACATTCACTTGGTCCTCCACTCGCTGAGACACAAGGGGACGGTGTCAGCACCAGCCTTG-3'